The following is an entry in ClinVar:

NM_002282.3(KRT83):c.385-3C>T

Gene: KRT83 (keratin 83; minus strand). Cytogenetic location: 12q13.13.
Variant type: single nucleotide variant.
Coding change: c.385-3C>T on transcript NM_002282.3 (MANE Select); 3 bases into the intron before coding-DNA position 385, C replaced by T.
Molecular consequence: intron variant.
Genome position (GRCh38, 1-based): chr12:52,319,367, G>A on the plus strand (C>T on the coding strand, the complement: KRT83 is on the minus strand). VCF-style: chr12-52319367-G-A. GRCh37 (hg19) VCF-style: chr12-52713151-G-A.
Identifiers: ClinVar variation 3659421 (VCV003659421.2).

ClinVar aggregate classification (germline): Uncertain significance (1 of 4 stars; one submission).

gnomAD v4.1: 13 of 1,614,018 alleles (0.00081%); highest among the groups gnomAD compares: African/African-American, 0.011%; no homozygotes.

Submission:

Labcorp Genetics (formerly Invitae), Labcorp
Classification: Uncertain significance. Last evaluated: 2024-03-02. Review status: criteria provided, single submitter. Criteria: Invitae Variant Classification Sherloc (09022015). Collection method: clinical testing. Allele origin: germline.
Comment: This sequence change falls in intron 1 of the KRT83 gene. It does not directly change the encoded amino acid sequence of the KRT83 protein. It affects a nucleotide within the consensus splice site. This variant is present in population databases (rs199634762, gnomAD 0.02%). This variant has not been reported in the literature in individuals affected with KRT83-related conditions. Variants that disrupt the consensus splice site are a relatively common cause of aberrant splicing (PMID: 17576681, 9536098). Algorithms developed to predict the effect of sequence changes on RNA splicing suggest that this variant is not likely to affect RNA splicing. In summary, the available evidence is currently insufficient to determine the role of this variant in disease. Therefore, it has been classified as a Variant of Uncertain Significance.

Literature cited by the submitters: PubMed 17576681; PubMed 9536098.